The following is an entry in ClinVar:

ClinVar aggregate classification (germline): Uncertain significance (1 of 4 stars; one submission).

Conditions:
Inborn genetic diseases. Identifiers: MedGen C0950123, MeSH D030342.

gnomAD v4.1: 1 of 1,613,768 alleles (0.000062%); highest among the groups gnomAD compares: African/African-American, 0.0013%; no homozygotes.

Submission:

Ambry Genetics
Classification: Uncertain significance for Inborn genetic diseases. Last evaluated: 2025-05-15. Review status: criteria provided, single submitter. Criteria: Ambry Variant Classification Scheme 2023. Collection method: clinical testing. Allele origin: germline.
Comment: The p.Q584E variant (also known as c.1750C>G), located in coding exon 1 of the SAMD9 gene, results from a C to G substitution at nucleotide position 1750. The glutamine at codon 584 is replaced by glutamic acid, an amino acid with highly similar properties. This amino acid position is conserved. In addition, this alteration is predicted to be tolerated by in silico analysis. Based on the available evidence, the clinical significance of this variant remains unclear.

NM_017654.4(SAMD9):c.1750C>G (p.Gln584Glu)

Gene: SAMD9 (sterile alpha motif domain containing 9; minus strand). Cytogenetic location: 7q21.2.
Variant type: single nucleotide variant.
Coding change: c.1750C>G on transcript NM_017654.4 (MANE Select); coding-DNA position 1750, C replaced by G.
Protein change: p.Gln584Glu; replaces glutamine 584 with glutamic acid.
Molecular consequence: missense variant.
Genome position (GRCh38, 1-based): chr7:93,104,348, G>C on the plus strand (C>G on the coding strand, the complement: SAMD9 is on the minus strand). VCF-style: chr7-93104348-G-C. GRCh37 (hg19) VCF-style: chr7-92733661-G-C.
Other names: c.1750C>G, p.Gln584Glu (NM_001193307.2); short protein forms Q584E.
Identifiers: ClinVar variation 3949624 (VCV003949624.1).
Genomic context (GRCh38, chr7:93,104,348, plus strand): 5'-GGCTTGAAATTTCATCTTGGTGTTTTATTAATCTTGCTTCAAGTAGATCTTTCCATCCCT[G>C]AAATATGTGTGGGTGCACACAAATACACAGTATATTTTCCATTCCTTTGAGATCCTGGTA-3'
Protein context (NP_060124.2, residues 574-594): LCICVHPHIF[Gln584Glu]GWKDLLEARL